The following is an entry in ClinVar:

ClinVar aggregate classification (germline): Pathogenic (1 of 4 stars; one submission).

gnomAD v4.1: 1 of 1,612,770 alleles (0.000062%); highest among the groups gnomAD compares: Non-Finnish European, 0.000085%; no homozygotes.

Submission:

Labcorp Genetics (formerly Invitae), Labcorp
Classification: Pathogenic. Last evaluated: 2026-01-17. Review status: criteria provided, single submitter. Criteria: Invitae Variant Classification Sherloc (09022015). Collection method: clinical testing. Allele origin: germline.
Comment: This sequence change creates a premature translational stop signal (p.Tyr378*) in the SLC19A2 gene. It is expected to result in an absent or disrupted protein product. Loss-of-function variants in SLC19A2 are known to be pathogenic (PMID: 10391221, 10391223, 10874303). This variant is not present in population databases (gnomAD no frequency). This variant has not been reported in the literature in individuals affected with SLC19A2-related conditions. For these reasons, this variant has been classified as Pathogenic.

Literature cited by the submitters: PubMed 10391221; PubMed 10391223; PubMed 10874303.

NM_006996.3(SLC19A2):c.1134T>G (p.Tyr378Ter)

Gene: SLC19A2 (solute carrier family 19 member 2; minus strand). Cytogenetic location: 1q24.2.
Variant type: single nucleotide variant.
Coding change: c.1134T>G on transcript NM_006996.3 (MANE Select); coding-DNA position 1134, T replaced by G.
Protein change: p.Tyr378Ter; replaces tyrosine 378 with a stop codon.
Molecular consequence: nonsense.
Genome position (GRCh38, 1-based): chr1:169,468,733, A>C on the plus strand (T>G on the coding strand, the complement: SLC19A2 is on the minus strand). VCF-style: chr1-169468733-A-C. GRCh37 (hg19) VCF-style: chr1-169437971-A-C.
Other names: c.531T>G, p.Tyr177Ter (NM_001319667.1); short protein forms Y177*, Y378*.
Identifiers: ClinVar variation 4735507 (VCV004735507.1).